The following is an entry in ClinVar:

NM_000281.4(PCBD1):c.289G>A (p.Glu97Lys)

Gene: PCBD1 (pterin-4 alpha-carbinolamine dehydratase 1; minus strand). Cytogenetic location: 10q22.1.
Variant type: single nucleotide variant.
Coding change: c.289G>A on transcript NM_000281.4 (MANE Select); coding-DNA position 289, G replaced by A.
Protein change: p.Glu97Lys; replaces glutamic acid 97 with lysine.
Molecular consequence: missense variant. On other transcripts: intron variant (1).
Genome position (GRCh38, 1-based): chr10:70,883,976, C>T on the plus strand (G>A on the coding strand, the complement: PCBD1 is on the minus strand). VCF-style: chr10-70883976-C-T. GRCh37 (hg19) VCF-style: chr10-72643733-C-T.
Other names: c.142G>A, p.Glu48Lys (NM_001289797.2); c.216+1176G>A (NM_001323004.2); c.289G>A (NM_000281.3); short protein forms E97K, E48K.
Identifiers: ClinVar variation 91907 (VCV000091907.18), dbSNP rs397518416, ClinGen allele CA278432.

ClinVar aggregate classification (germline): Pathogenic/Likely pathogenic. Review status: criteria provided, multiple submitters, no conflicts (2 of 4 stars). 6 submissions from 6 submitters: Pathogenic (2); Likely pathogenic (3). 1 of the submissions does not count toward it. Last evaluated 2025-05-01.

Conditions:
PCBD1-related disorders.
PCBD1-related disorder. Also called: PCBD1-related condition.
Pterin-4 alpha-carbinolamine dehydratase 1 deficiency. Also called: CADH DEFICIENCY; HYPERPHENYLALANINEMIA WITH PRIMAPTERINURIA; HYPERPHENYLALANINEMIA, TETRAHYDROBIOPTERIN-DEFICIENT, DUE TO PTERIN-4-ALPHA-CARBINOLAMINE DEHYDRATASE DEFICIENCY; Hyperphenylalaninemia due to dehydratase deficiency. Identifiers: Orphanet 1578, Orphanet 238583, MedGen C1849700, MONDO:0009908, OMIM 264070.

Allele frequency attached by ClinVar (database versions not stated): ExAC 0.00001; gnomAD 0.00001; gnomAD exomes 0.00001; TOPMed 0.00001.
gnomAD v4.1: 19 of 1,613,928 alleles (0.0012%); highest among the groups gnomAD compares: Admixed American, 0.0017%; no homozygotes.

Submissions (6):

CeGaT Center for Human Genetics Tuebingen
Classification: Pathogenic. Last evaluated: 2025-05-01. Review status: criteria provided, single submitter. Criteria: CeGaT Center For Human Genetics Tuebingen Variant Classification Criteria Version 2. Collection method: clinical testing. Allele origin: germline. Affected: yes. Observed: 1 variant allele.
Comment: PCBD1: PM3:Very Strong, PM2, PP4:Moderate, PP3, PS3:Supporting

PreventionGenetics, part of Exact Sciences
Classification: Likely pathogenic for PCBD1-related condition. Last evaluated: 2025-02-25. Review status: criteria provided, single submitter. Criteria: ACMG Guidelines, 2015. Collection method: clinical testing. Allele origin: germline.
Comment: The PCBD1 c.289G>A variant is predicted to result in the amino acid substitution p.Glu97Lys. This variant has been reported in a compound heterozygous or homozygous state in individuals with hyperphenylalaninemia (described as p.Glu96Lys in Thony et al. 1998. PubMed ID: 9760199; Vela-Amieva et al. 2022. PubMed ID: 36313470) and in a compound heterozygous state in an individual with early-onset diabetes (Ferrè et al. 2013. PubMed ID: 24204001; Simaite et al. 2014. PubMed ID: 24848070). This variant is reported in 0.0031% of alleles in individuals of European (Non-Finnish) descent in gnomAD. Taken together, this variant is interpreted as likely pathogenic.

Labcorp Genetics (formerly Invitae), Labcorp
Classification: Likely pathogenic for Pterin-4 alpha-carbinolamine dehydratase 1 deficiency. Last evaluated: 2024-04-29. Review status: criteria provided, single submitter. Criteria: Invitae Variant Classification Sherloc (09022015). Collection method: clinical testing. Allele origin: germline.
Comment: This sequence change replaces glutamic acid, which is acidic and polar, with lysine, which is basic and polar, at codon 97 of the PCBD1 protein (p.Glu97Lys). This variant is present in population databases (rs397518416, gnomAD 0.002%). This missense change has been observed in individual(s) with hyperphenylalaninemia (PMID: 9760199, 36313470). In at least one individual the data is consistent with being in trans (on the opposite chromosome) from a pathogenic variant. This variant is also known as E96K. ClinVar contains an entry for this variant (Variation ID: 91907). An algorithm developed to predict the effect of missense changes on protein structure and function (PolyPhen-2) suggests that this variant is likely to be disruptive. Studies have shown that this missense change alters PCBD1 gene expression (PMID: 9760199, 24204001). In summary, the currently available evidence indicates that the variant is pathogenic, but additional data are needed to prove that conclusively. Therefore, this variant has been classified as Likely Pathogenic.

Fulgent Genetics
Classification: Likely pathogenic for Pterin-4 alpha-carbinolamine dehydratase 1 deficiency. Last evaluated: 2024-04-05. Review status: criteria provided, single submitter. Criteria: ACMG Guidelines, 2015. Collection method: clinical testing. Allele origin: germline.

Blueprint Genetics
Classification: Pathogenic for PCBD1-related disorders. Last evaluated: 2022-12-23. Review status: criteria provided, single submitter. Criteria: ACMG Guidelines, 2015. Collection method: clinical testing. Allele origin: germline. Affected: yes. Observed: 3 variant alleles.

Pediatric Diabetes Laboratory, Experimental and Clinical Research Center (ECRC)
No classification provided. Condition: Hyperphenylalaninemia, bh4-deficient, d. Review status: no classification provided. Collection method: not provided. Allele origin: germline. Not counted in ClinVar's aggregate classification.
Comment: The ss number is needed for publication. We ask it to be held from public release until the manuscript gets accepted. We also kindly request this submission to be processed in the faster than regular way.

Literature cited by the submitters: PubMed 9760199 (cited by Labcorp Genetics (formerly Invitae), Labcorp); PubMed 36313470 (cited by Labcorp Genetics (formerly Invitae), Labcorp); PubMed 24204001 (cited by Labcorp Genetics (formerly Invitae), Labcorp).